The following is an entry in ClinVar:

NM_005359.6(SMAD4):c.1642C>T (p.Pro548Ser)

Gene: SMAD4 (SMAD family member 4; plus strand). Cytogenetic location: 18q21.2.
Variant type: single nucleotide variant.
Coding change: c.1642C>T on transcript NM_005359.6 (MANE Select); coding-DNA position 1642, C replaced by T.
Protein change: p.Pro548Ser; replaces proline 548 with serine.
Molecular consequence: missense variant.
Genome position (GRCh38, 1-based): chr18:51,078,450, C>T. VCF-style: chr18-51078450-C-T. GRCh37 (hg19) VCF-style: chr18-48604820-C-T.
Other names: short protein forms P548S.
Identifiers: ClinVar variation 1501938 (VCV001501938.8), dbSNP rs876658866, ClinGen allele CA402466212.

ClinVar aggregate classification (germline): Uncertain significance (1 of 4 stars; one submission).

Conditions:
Juvenile polyposis syndrome (JPS). Identifiers: Orphanet 2929, MedGen C0345893, MONDO:0017380, OMIM 174900.

Submission:

Labcorp Genetics (formerly Invitae), Labcorp
Classification: Uncertain significance for Juvenile polyposis syndrome. Last evaluated: 2021-06-28. Review status: criteria provided, single submitter. Criteria: Invitae Variant Classification Sherloc (09022015). Collection method: clinical testing. Allele origin: germline.
Comment: This variant is not present in population databases (ExAC no frequency). This sequence change replaces proline with serine at codon 548 of the SMAD4 protein (p.Pro548Ser). The proline residue is highly conserved and there is a moderate physicochemical difference between proline and serine. This variant has not been reported in the literature in individuals with SMAD4-related conditions. Advanced modeling of protein sequence and biophysical properties (such as structural, functional, and spatial information, amino acid conservation, physicochemical variation, residue mobility, and thermodynamic stability) performed at Invitae indicates that this missense variant is expected to disrupt SMAD4 protein function. In summary, the available evidence is currently insufficient to determine the role of this variant in disease. Therefore, it has been classified as a Variant of Uncertain Significance.